The following is an entry in ClinVar:

ClinVar aggregate classification (germline): Conflicting classifications of pathogenicity. Review status: criteria provided, conflicting classifications (1 of 4 stars). 15 submissions from 15 submitters: Uncertain significance (13); Likely benign (1). 1 of the submissions does not count toward it. Last evaluated 2026-01-31.

Conditions:
MYBPC3-related disorder. Also called: MYBPC3-related disorders; MYBPC3-related condition; MYBPC3-related disease.
Cardiovascular phenotype. Identifiers: MedGen CN230736.
Left ventricular noncompaction 10 (LVNC10). Identifiers: Orphanet 154, Orphanet 54260, MedGen C3715165, MONDO:0014163, OMIM 615396.
Hypertrophic cardiomyopathy 4. Also called: Familial hypertrophic cardiomyopathy 4. Identifiers: MedGen C1861862, MONDO:0007268, OMIM 115197.
Cardiomyopathy (CMYO). Also called: Cardiomyopathies. Identifiers: Orphanet 167848, MedGen C0878544, MONDO:0004994, HP:0001638. Inheritance: Various modes of inheritance.
Primary familial hypertrophic cardiomyopathy (HCM). Identifiers: Orphanet 99739, MedGen C0949658, MeSH D024741, MONDO:0024573. Inheritance: Various modes of inheritance.
Hypertrophic cardiomyopathy. Also called: HYPERTROPHIC MYOCARDIOPATHY. Identifiers: Orphanet 217569, MedGen C0007194, MeSH D002312, MONDO:0005045, HP:0001639.

Allele frequency attached by ClinVar (database versions not stated): ExAC 0.00005; gnomAD 0.00009 and 0.00008; TOPMed 0.00009; gnomAD exomes 0.00005; ESP Exome Variant Server 0.00008.
gnomAD v4.1: 85 of 1,578,686 alleles (0.0054%); highest among the groups gnomAD compares: Middle Eastern, 0.067%; no homozygotes.

Submissions (15):

Labcorp Genetics (formerly Invitae), Labcorp
Classification: Uncertain significance for Hypertrophic cardiomyopathy. Last evaluated: 2026-01-31. Review status: criteria provided, single submitter. Criteria: Invitae Variant Classification Sherloc (09022015). Collection method: clinical testing. Allele origin: germline.
Comment: This sequence change replaces proline, which is neutral and non-polar, with leucine, which is neutral and non-polar, at codon 961 of the MYBPC3 protein (p.Pro961Leu). This variant is present in population databases (rs373056282, gnomAD 0.02%). This missense change has been observed in individual(s) with hypertrophic cardiomyopathy (PMID: 20031618, 27532257, 33297573, 37652022). ClinVar contains an entry for this variant (Variation ID: 42665). An algorithm developed to predict the effect of missense changes on protein structure and function outputs the following: PolyPhen-2: "Benign". The leucine amino acid residue is found in multiple mammalian species, which suggests that this missense change does not adversely affect protein function. In summary, the available evidence is currently insufficient to determine the role of this variant in disease. Therefore, it has been classified as a Variant of Uncertain Significance.

Color Diagnostics, LLC DBA Color Health
Classification: Uncertain significance for Cardiomyopathy. Last evaluated: 2025-12-18. Review status: criteria provided, single submitter. Criteria: ACMG Guidelines, 2015. Collection method: clinical testing. Allele origin: germline.
Comment: This missense variant replaces proline with leucine at codon 961 of the MYBPC3 protein. Computational prediction suggests that this variant may not impact protein structure and function. To our knowledge, functional studies have not been reported for this variant. This variant has been reported in several individuals affected with hypertrophic cardiomyopathy (PMID: 20031618, 27532257, 33297573). This variant has been identified in 85/1578686 chromosomes in the general population by the Genome Aggregation Database (gnomAD). The available evidence is insufficient to determine the role of this variant in disease conclusively. Therefore, this variant is classified as a Variant of Uncertain Significance.

Molecular Diagnostic Laboratory for Inherited Cardiovascular Disease, Montreal Heart Institute
Classification: Uncertain significance for Cardiovascular phenotype. Last evaluated: 2025-07-24. Review status: criteria provided, single submitter. Criteria: ACMG Guidelines, 2015. Collection method: clinical testing. Allele origin: germline. Affected: yes.

PreventionGenetics, part of Exact Sciences
Classification: Uncertain significance for MYBPC3-related condition. Last evaluated: 2025-06-27. Review status: criteria provided, single submitter. Criteria: ACMG Guidelines, 2015. Collection method: clinical testing. Allele origin: germline.
Comment: The MYBPC3 c.2882C>T variant is predicted to result in the amino acid substitution p.Pro961Leu. This variant was reported in multiple individuals with hypertrophic cardiomyopathy, although pathogenicity was not established in any of these reports (Kaski et al. 2009. PubMed ID: 20031618; Andreasen et al. 2013. PubMed ID: 23299917; Table S1B, Walsh et al. 2016. PubMed ID: 27532257; Micheu et al. 2020. PubMed ID: 33297573; Table S8, McGurk et al. 2023. PubMed ID: 37652022). This variant is reported in 0.022% of alleles in individuals of South Asian descent in gnomAD. This variant is interpreted as uncertain by other laboratories in ClinVar (ID: 42665). At this time, the clinical significance of this variant is uncertain due to the absence of conclusive functional and genetic evidence.

All of Us Research Program, National Institutes of Health
Classification: Uncertain significance for Hypertrophic cardiomyopathy. Last evaluated: 2024-09-23. Review status: criteria provided, single submitter. Criteria: ACMG Guidelines, 2015. Collection method: clinical testing. Allele origin: germline. Inheritance: Autosomal dominant inheritance. Observed: 20 variant alleles, 20 heterozygotes.
Comment: This missense variant replaces proline with leucine at codon 961 of the MYBPC3 protein. Computational prediction suggests that this variant may not impact protein structure and function (internally defined REVEL score threshold <= 0.5, PMID: 27666373). To our knowledge, functional studies have not been reported for this variant. This variant has been reported in individuals affected with hypertrophic cardiomyopathy (PMID: 20031618, 27532257, 33297573). This variant has been identified in 13/257588 chromosomes in the general population by the Genome Aggregation Database (gnomAD). The available evidence is insufficient to determine the role of this variant in disease conclusively. Therefore, this variant is classified as a Variant of Uncertain Significance.

This study involves interpretation of variants in research participants for the purpose of population health screening. Participant phenotype was not available at the time of variant classification. Additional details can be found in publication PMID: 35346344, PMCID: PMC8962531

Blueprint Genetics
Classification: Likely benign. Last evaluated: 2024-08-21. Review status: criteria provided, single submitter. Criteria: ACMG Guidelines, 2015. Collection method: clinical testing. Allele origin: germline.

GeneDx
Classification: Uncertain significance. Last evaluated: 2023-07-05. Review status: criteria provided, single submitter. Criteria: GeneDx Variant Classification Process June 2021. Collection method: clinical testing. Allele origin: germline. Affected: yes.
Comment: In silico analysis supports that this missense variant has a deleterious effect on protein structure/function; This variant is associated with the following publications: (PMID: 20800588, 23299917, 25637381, 27532257, 12403824, 19858127, 33297573, 20031618, 34486814, 26582918)

CHEO Genetics Diagnostic Laboratory, Children's Hospital of Eastern Ontario
Classification: Uncertain significance for Cardiomyopathy. Last evaluated: 2022-08-31. Review status: criteria provided, single submitter. Criteria: ACMG Guidelines, 2015. Collection method: clinical testing. Allele origin: germline.

Greenwood Genetic Center Diagnostic Laboratories, Greenwood Genetic Center
Classification: Uncertain significance. Last evaluated: 2021-08-05. Review status: criteria provided, single submitter. Criteria: ACMG Guidelines, 2015. Collection method: clinical testing. Allele origin: germline. Affected: yes.
Comment: PM2

Ambry Genetics
Classification: Uncertain significance for Cardiovascular phenotype. Last evaluated: 2020-10-06. Review status: criteria provided, single submitter. Criteria: Ambry Variant Classification Scheme 2023. Collection method: clinical testing. Allele origin: germline.

Laboratory for Molecular Medicine, Mass General Brigham Personalized Medicine
Classification: Uncertain significance for Hypertrophic cardiomyopathy. Last evaluated: 2019-04-04. Review status: criteria provided, single submitter. Criteria: ACMG Guidelines, 2015. Collection method: clinical testing. Allele origin: germline.
Comment: The p.Pro961Leu variant in MYBPC3 has been reported in 2 individuals with HCM (Kaski 2009, Millat 2010), and has been identified by our laboratory in two African American individuals with HCM, one of whom carried a pathogenic variant in MYH7. This variant has also been identified in 1/8550 African and 3/9792 South Asian chromosomes by the Exome Aggregation Consortium (ExAC; dbSNP rs373056282). Proline (Pro) at position 961 is not conserved in evolution and 3 mammals (chinchilla, brush-tailed rat, and platypus) carry a leucine (Leu), supporting that this change may be tolerated. In summary, due to the presence of conflicting data, the clinical significance of the p.Pro961Leu variant is uncertain.

ARUP Laboratories, Molecular Genetics and Genomics, ARUP Laboratories
Classification: Uncertain significance. Last evaluated: 2017-07-06. Review status: criteria provided, single submitter. Criteria: ARUP Molecular Germline Variant Investigation Process. Collection method: clinical testing. Allele origin: germline.
Comment: The p.Pro961Leu variant (rs373056282) was reported by Kaski et al. (2009) in one individual with mild concentric LV hypertrophy in a cohort of patients with early onset HCM. Using a wide pool of participants from NHLBI Exome Sequencing Project many previously disease associated variants, including p.Pro961Leu, were classified as uncertain significance (Andreasen et al. 2013 and Amendola et al. 2015). This is further confirmed by Walsh et al. (2017) classification of p.Pro961Leu as uncertain significance, given the overall population frequency of 0.005 percent (identified on 5 out of 103876 chromosomes) from the Exome Aggregation Consortium. The proline at position 961 is highly conserved and computational analyses of the effects of the p.Pro961Leu variant on protein structure and function is conflicting (SIFT: damaging, MutationTaster: disease causing, PolyPhen-2: benign). Altogether, there is not enough evidence to classify the p.Pro961Leu variant with certainty.

Stanford Center for Inherited Cardiovascular Disease, Stanford University
Classification: Uncertain significance. Last evaluated: 2014-01-29. Review status: criteria provided, single submitter. Criteria: ACMG Guidelines, 2015. Collection method: provider interpretation. Allele origin: germline.

Juno Genomics, Hangzhou Juno Genomics, Inc
Classification: Uncertain significance for Left ventricular noncompaction 10; Hypertrophic cardiomyopathy 4. Review status: criteria provided, single submitter. Criteria: ACMG Guidelines, 2015. Collection method: clinical testing. Allele origin: germline.
Comment: Absent from controls (or at extremely low frequency if recessive) in Genome Aggregation Database.;The prevalence of the variant in affected individuals is significantly increased compared to the prevalence in controls.

CSER _CC_NCGL, University of Washington
Classification: Uncertain significance for Cardiomyopathy, hypertrophic. Last evaluated: 2014-06-01. Review status: no assertion criteria provided. Collection method: research. Allele origin: germline. Inheritance: Autosomal dominant inheritance. Study: ESP 6500 variant annotation. Not counted in ClinVar's aggregate classification.
Comment: Variants classified for the Actionable exomic incidental findings in 6503 participants: challenges of variant classification manuscript

Literature cited by the submitters: PubMed 20031618 (cited by 4 submitters); PubMed 27532257 (cited by 3 submitters); PubMed 33297573 (cited by 3 submitters); PubMed 37652022 (cited by Labcorp Genetics (formerly Invitae), Labcorp); PubMed 12403824 (cited by Laboratory for Molecular Medicine, Mass General Brigham Personalized Medicine); PubMed 23299917 (cited by Laboratory for Molecular Medicine, Mass General Brigham Personalized Medicine); PubMed 20800588 (cited by Laboratory for Molecular Medicine, Mass General Brigham Personalized Medicine).

NM_000256.3(MYBPC3):c.2882C>T (p.Pro961Leu)

Gene: MYBPC3 (myosin binding protein C3; minus strand). Cytogenetic location: 11p11.2.
Variant type: single nucleotide variant.
Coding change: c.2882C>T on transcript NM_000256.3 (MANE Select); coding-DNA position 2882, C replaced by T.
Protein change: p.Pro961Leu; replaces proline 961 with leucine.
Molecular consequence: missense variant.
Genome position (GRCh38, 1-based): chr11:47,335,065, G>A on the plus strand (C>T on the coding strand, the complement: MYBPC3 is on the minus strand). VCF-style: chr11-47335065-G-A. GRCh37 (hg19) VCF-style: chr11-47356616-G-A.
Other names: short protein forms P961L.
Identifiers: ClinVar variation 42665 (VCV000042665.44), dbSNP rs373056282, ClinGen allele CA013110.